The following is an entry in ClinVar:

NM_012213.3(MLYCD):c.444C>T (p.Asp148=)

Gene: MLYCD (malonyl-CoA decarboxylase; plus strand). Cytogenetic location: 16q23.3.
Variant type: single nucleotide variant.
Coding change: c.444C>T on transcript NM_012213.3 (MANE Select); coding-DNA position 444, C replaced by T.
Protein change: p.Asp148=; no amino-acid change (aspartic acid 148 retained).
Molecular consequence: synonymous variant.
Genome position (GRCh38, 1-based): chr16:83,899,588, C>T. VCF-style: chr16-83899588-C-T. GRCh37 (hg19) VCF-style: chr16-83933193-C-T.
Other names: p.D148D:GAC>GAT.
Identifiers: ClinVar variation 95500 (VCV000095500.19), dbSNP rs62640904, ClinGen allele CA285673.
Genomic context (GRCh38, chr16:83,899,588, plus strand): 5'-GCTGCGCTACGCGCTGGTGCCGCGCTATCGCGGCCTCTTCCACCACATCAGCAAGCTGGA[C>T]GGCGGCGTGCGCTTCCTGGTGCAGCTGCGGGCCGACCTGCTGGAGGCGCAGGCCCTCAAG-3'
Protein context (NP_036345.2, residues 138-158): RGLFHHISKL[Asp148=]GGVRFLVQLR

ClinVar aggregate classification (germline): Benign. Review status: criteria provided, multiple submitters, no conflicts (2 of 4 stars). 5 submissions from 5 submitters: Benign (5). Last evaluated 2026-01-31.

Conditions:
Deficiency of malonyl-CoA decarboxylase. Also called: Malonic aciduria; MCD deficiency. Identifiers: Orphanet 943, MedGen C0342793, MONDO:0009556, OMIM 248360.

Allele frequency attached by ClinVar (database versions not stated): gnomAD exomes 0.01319; TOPMed 0.03700; gnomAD 0.03366 and 0.03566; 1000 Genomes Project 30x 0.03529; ExAC 0.02248; ESP Exome Variant Server 0.03071; 1000 Genomes Project 0.03295.
gnomAD v4.1: 20,004 of 1,589,408 alleles (1.3%); highest among the groups gnomAD compares: African/African-American, 9.8%; 435 homozygotes.

Submissions (5):

Labcorp Genetics (formerly Invitae), Labcorp
Classification: Benign for Deficiency of malonyl-CoA decarboxylase. Last evaluated: 2026-01-31. Review status: criteria provided, single submitter. Criteria: Invitae Variant Classification Sherloc (09022015). Collection method: clinical testing. Allele origin: germline.

Illumina Laboratory Services, Illumina
Classification: Benign for Deficiency of malonyl-CoA decarboxylase. Last evaluated: 2018-01-12. Review status: criteria provided, single submitter. Criteria: ICSL Variant Classification Criteria 13 December 2019. Collection method: clinical testing. Allele origin: germline.
Comment: This variant was observed in the ICSL laboratory as part of a predisposition screen in an ostensibly healthy population. It had not been previously curated by ICSL or reported in the Human Gene Mutation Database (HGMD: prior to June 1st, 2018), and was therefore a candidate for classification through an automated scoring system. Utilizing variant allele frequency, disease prevalence and penetrance estimates, and inheritance mode, an automated score was calculated to assess if this variant is too frequent to cause the disease. Based on the score and internal cut-off values, a variant classified as benign is not then subjected to further curation. The score for this variant resulted in a classification of benign for this disease.

GeneDx
Classification: Benign. Last evaluated: 2013-12-31. Review status: criteria provided, single submitter. Criteria: GeneDx Variant Classification (06012015). Collection method: clinical testing. Allele origin: germline. Affected: yes.
Comment: This variant is considered likely benign or benign based on one or more of the following criteria: it is a conservative change, it occurs at a poorly conserved position in the protein, it is predicted to be benign by multiple in silico algorithms, and/or has population frequency not consistent with disease.

Eurofins Ntd Llc (ga)
Classification: Benign. Last evaluated: 2012-11-28. Review status: criteria provided, single submitter. Criteria: EGL Classification Definitions 2015. Collection method: clinical testing. Allele origin: germline. Observed: 2 variant alleles, 2 heterozygotes.

Breakthrough Genomics
Classification: Benign. Review status: criteria provided, single submitter. Criteria: ACMG Guidelines, 2015. Collection method: not provided. Allele origin: germline. Inheritance: Autosomal recessive inheritance. Affected: yes.